The following is an entry in ClinVar:

ClinVar aggregate classification (germline): Likely benign. Review status: criteria provided, multiple submitters, no conflicts (2 of 4 stars). 3 submissions from 3 submitters: Likely benign (2). 1 of the submissions does not count toward it. Last evaluated 2025-12-16.

Conditions:
Inborn genetic diseases. Identifiers: MedGen C0950123, MeSH D030342.
MYSM1-related disorder. Also called: MYSM1-related condition.

Allele frequency attached by ClinVar (database versions not stated): TOPMed 0.00003; gnomAD 0.00009; gnomAD exomes 0.00015 and 0.00033; 1000 Genomes Project 30x 0.00016; 1000 Genomes Project 0.00020; ExAC 0.00044.
gnomAD v4.1: 225 of 1,591,648 alleles (0.014%); highest among the groups gnomAD compares: South Asian, 0.24%; 3 homozygotes.

Submissions (3):

Labcorp Genetics (formerly Invitae), Labcorp
Classification: Likely benign. Last evaluated: 2025-12-16. Review status: criteria provided, single submitter. Criteria: Invitae Variant Classification Sherloc (09022015). Collection method: clinical testing. Allele origin: germline.

Ambry Genetics
Classification: Likely benign for Inborn genetic diseases. Last evaluated: 2023-05-23. Review status: criteria provided, single submitter. Criteria: Ambry Variant Classification Scheme 2023. Collection method: clinical testing. Allele origin: germline.

PreventionGenetics, part of Exact Sciences
Classification: Likely benign for MYSM1-related condition. Last evaluated: 2024-01-23. Review status: no assertion criteria provided. Collection method: clinical testing. Allele origin: germline. Not counted in ClinVar's aggregate classification.
Comment: This variant is classified as likely benign based on ACMG/AMP sequence variant interpretation guidelines (Richards et al. 2015 PMID: 25741868, with internal and published modifications).

NM_001085487.3(MYSM1):c.74G>A (p.Gly25Asp)

Gene: MYSM1 (Myb like, SWIRM and MPN domains 1; minus strand). Cytogenetic location: 1p32.1.
Variant type: single nucleotide variant.
Coding change: c.74G>A on transcript NM_001085487.3 (MANE Select); coding-DNA position 74, G replaced by A.
Protein change: p.Gly25Asp; replaces glycine 25 with aspartic acid.
Molecular consequence: missense variant.
Genome position (GRCh38, 1-based): chr1:58,695,202, C>T on the plus strand (G>A on the coding strand, the complement: MYSM1 is on the minus strand). VCF-style: chr1-58695202-C-T. GRCh37 (hg19) VCF-style: chr1-59160874-C-T.
Other names: c.74G>A (NM_001085487.2); short protein forms G25D.
Identifiers: ClinVar variation 1126271 (VCV001126271.12), dbSNP rs566901970, ClinGen allele CA878160.